The following is an entry in ClinVar:

NM_058216.3(RAD51C):c.561C>T (p.His187=)

Gene: RAD51C (RAD51 paralog C; plus strand). Cytogenetic location: 17q22.
Variant type: single nucleotide variant.
Coding change: c.561C>T on transcript NM_058216.3 (MANE Select); coding-DNA position 561, C replaced by T.
Protein change: p.His187=; no amino-acid change (histidine 187 retained).
Molecular consequence: synonymous variant.
Genome position (GRCh38, 1-based): chr17:58,696,849, C>T. VCF-style: chr17-58696849-C-T. GRCh37 (hg19) VCF-style: chr17-56774210-C-T.
Other names: c.561C>T (NM_058216.1).
Identifiers: ClinVar variation 1112013 (VCV001112013.11), dbSNP rs2048033583, ClinGen allele CA501075084.

ClinVar aggregate classification (germline): Benign/Likely benign. Review status: criteria provided, multiple submitters, no conflicts (2 of 4 stars). 3 submissions from 3 submitters: Benign (1); Likely benign (2). Last evaluated 2026-03-02.

Conditions:
Hereditary cancer-predisposing syndrome. Also called: Hereditary Cancer Syndrome; Neoplastic Syndromes, Hereditary; Tumor predisposition; Hereditary neoplastic syndrome. Identifiers: Orphanet 140162, MedGen C0027672, MeSH D009386, MONDO:0015356.
Fanconi anemia complementation group O. Also called: RAD51C-Related Fanconi Anemia. Identifiers: Orphanet 84, MedGen C3150653, MONDO:0013248, OMIM 613390.
Breast-ovarian cancer, familial, susceptibility to, 3. Also called: RAD51C-Related Breast/Ovarian Cancer. Identifiers: Orphanet 145, MedGen C3150659, MONDO:0013253, OMIM 613399.

Submissions (3):

Ambry Genetics
Classification: Likely benign for Hereditary cancer-predisposing syndrome. Last evaluated: 2026-03-02. Review status: criteria provided, single submitter. Criteria: Ambry Variant Classification Scheme 2023. Collection method: clinical testing. Allele origin: germline.

Myriad Genetics, Inc.
Classification: Benign for Breast-ovarian cancer, familial, susceptibility to, 3. Last evaluated: 2025-02-18. Review status: criteria provided, single submitter. Criteria: Myriad Autosomal Dominant, Autosomal Recessive and X-Linked Classification Criteria (2023). Collection method: clinical testing. Allele origin: unknown.
Comment: This variant is considered benign. This variant is a silent/synonymous amino acid change and it is not expected to impact splicing.

Labcorp Genetics (formerly Invitae), Labcorp
Classification: Likely benign for Fanconi anemia complementation group O. Last evaluated: 2024-03-11. Review status: criteria provided, single submitter. Criteria: Invitae Variant Classification Sherloc (09022015). Collection method: clinical testing. Allele origin: germline.